The following is an entry in ClinVar:

ClinVar aggregate classification (germline): Uncertain significance. Review status: criteria provided, multiple submitters, no conflicts (2 of 4 stars). 2 submissions from 2 submitters: Uncertain significance (2). Last evaluated 2024-12-03.

Conditions:
Hereditary cancer-predisposing syndrome. Also called: Hereditary Cancer Syndrome; Hereditary neoplastic syndrome; Tumor predisposition; Neoplastic Syndromes, Hereditary. Identifiers: Orphanet 140162, MedGen C0027672, MeSH D009386, MONDO:0015356.
Cardiovascular phenotype. Identifiers: MedGen CN230736.

Submissions (2):

Ambry Genetics
Classification: Uncertain significance for Cardiovascular phenotype; Hereditary cancer-predisposing syndrome. Last evaluated: 2024-12-03. Review status: criteria provided, single submitter. Criteria: Ambry Variant Classification Scheme 2023. Collection method: clinical testing. Allele origin: germline.
Comment: The p.E217K variant (also known as c.649G>A), located in coding exon 7 of the LZTR1 gene, results from a G to A substitution at nucleotide position 649. The glutamic acid at codon 217 is replaced by lysine, an amino acid with similar properties. This amino acid position is highly conserved in available vertebrate species. In addition, the in silico prediction for this alteration is inconclusive. Based on the available evidence, the clinical significance of this variant remains unclear.

GeneDx
Classification: Uncertain significance. Last evaluated: 2024-11-25. Review status: criteria provided, single submitter. Criteria: GeneDx Variant Classification Process June 2021. Collection method: clinical testing. Allele origin: germline. Affected: yes.
Comment: Not observed at significant frequency in large population cohorts (gnomAD); In silico analysis indicates that this missense variant does not alter protein structure/function; Has not been previously published as pathogenic or benign to our knowledge

NM_006767.4(LZTR1):c.649G>A (p.Glu217Lys)

Gene: LZTR1 (leucine zipper like post translational regulator 1; plus strand). Cytogenetic location: 22q11.21.
Variant type: single nucleotide variant.
Coding change: c.649G>A on transcript NM_006767.4 (MANE Select); coding-DNA position 649, G replaced by A.
Protein change: p.Glu217Lys; replaces glutamic acid 217 with lysine.
Molecular consequence: missense variant.
Genome position (GRCh38, 1-based): chr22:20,989,680, G>A. VCF-style: chr22-20989680-G-A. GRCh37 (hg19) VCF-style: chr22-21343969-G-A.
Other names: short protein forms E217K.
Identifiers: ClinVar variation 3541698 (VCV003541698.2).